The following is an entry in ClinVar:

ClinVar aggregate classification (germline): Uncertain significance. Review status: criteria provided, single submitter (1 of 4 stars). 2 submissions from 2 submitters: Uncertain significance (1). 1 of the submissions does not count toward it. Last evaluated 2022-09-03.

Conditions:
Teratoma. Identifiers: MedGen C0039538, MONDO:0002601, HP:0009792.
Inborn genetic diseases. Identifiers: MedGen C0950123, MeSH D030342.

Allele frequency attached by ClinVar (database versions not stated): gnomAD 0.00001; TOPMed 0.00001.
gnomAD v4.1: 33 of 1,558,244 alleles (0.0021%); highest among the groups gnomAD compares: Non-Finnish European, 0.0026%; no homozygotes.

Submissions (2):

Ambry Genetics
Classification: Uncertain significance for Inborn genetic diseases. Last evaluated: 2022-09-03. Review status: criteria provided, single submitter. Criteria: Ambry Variant Classification Scheme 2023. Collection method: clinical testing. Allele origin: germline.
Comment: The p.P434L variant (also known as c.1301C>T), located in coding exon 10 of the EPAS1 gene, results from a C to T substitution at nucleotide position 1301. The proline at codon 434 is replaced by leucine, an amino acid with similar properties. This amino acid position is conserved. In addition, this alteration is predicted to be tolerated by in silico analysis. Since supporting evidence is limited at this time, the clinical significance of this alteration remains unclear.

Molecular ImmunoRheumatology UMRS_1109, Institut national de la santé et de la recherche médicale
Classification: Uncertain significance for Teratoma. Last evaluated: 2023-01-01. Review status: no assertion criteria provided. Collection method: research. Allele origin: somatic. Affected: yes. Not counted in ClinVar's aggregate classification.

NM_001430.5(EPAS1):c.1301C>T (p.Pro434Leu)

Gene: EPAS1 (endothelial PAS domain protein 1; plus strand). Cytogenetic location: 2p21.
Variant type: single nucleotide variant.
Coding change: c.1301C>T on transcript NM_001430.5 (MANE Select); coding-DNA position 1301, C replaced by T.
Protein change: p.Pro434Leu; replaces proline 434 with leucine.
Molecular consequence: missense variant.
Genome position (GRCh38, 1-based): chr2:46,377,945, C>T. VCF-style: chr2-46377945-C-T. GRCh37 (hg19) VCF-style: chr2-46605084-C-T.
Other names: short protein forms P434L.
Identifiers: ClinVar variation 1769421 (VCV001769421.3), dbSNP rs745357489, ClinGen allele CA1644947.
Genomic context (GRCh38, chr2:46,377,945, plus strand): 5'-TCTCCACAGGGAATCAGAACTTCGAGGAGTCCTCAGCCTATGGCAAGGCCATCCTGCCCC[C>T]GAGCCAGCCATGGGCCACGGAGTTGAGGAGCCACAGCACCCAGAGCGAGGCTGGGAGCCT-3'
Protein context (NP_001421.2, residues 424-444): SSAYGKAILP[Pro434Leu]SQPWATELRS